The following is an entry in ClinVar:

ClinVar aggregate classification (germline): Pathogenic (1 of 4 stars; one submission).

Conditions:
Familial hypobetalipoproteinemia 1. Also called: APOB-Related Familial Hypobetalipoproteinemia; Hypobetalipoproteinemia, normotriglyceridemic; Acanthocytosis with hypobetalipoproteinemia. Identifiers: MedGen C4551990, MONDO:0014252, OMIM 615558.
Hypercholesterolemia, autosomal dominant, type B (FHCL2). Also called: Familial Hypercholesterolemia Type B; APOLIPOPROTEIN B-100, FAMILIAL DEFECTIVE; APOLIPOPROTEIN B-100, FAMILIAL LIGAND-DEFECTIVE; HYPERCHOLESTEROLEMIA, FAMILIAL, DUE TO LIGAND-DEFECTIVE APOLIPOPROTEIN B; Familial hypercholesterolemia 2; Hyperlipoproteinemia Type IIb. Identifiers: MedGen C1704417, MONDO:0007751, OMIM 144010.

Submission:

Labcorp Genetics (formerly Invitae), Labcorp
Classification: Pathogenic for Familial hypobetalipoproteinemia 1; Hypercholesterolemia, autosomal dominant, type B. Last evaluated: 2020-11-11. Review status: criteria provided, single submitter. Criteria: Invitae Variant Classification Sherloc (09022015). Collection method: clinical testing. Allele origin: germline.
Comment: This sequence change creates a premature translational stop signal (p.Phe2656Thrfs*10) in the APOB gene. It is expected to result in an absent or disrupted protein product. Loss-of-function variants in APOB are known to be pathogenic (PMID: 20032471). This variant is not present in population databases (ExAC no frequency). For these reasons, this variant has been classified as Pathogenic. This variant has not been reported in the literature in individuals with APOB-related conditions.

Literature cited by the submitters: PubMed 20032471.

NM_000384.3(APOB):c.7966_7969del (p.Phe2656fs)

Gene: APOB (apolipoprotein B; minus strand). Cytogenetic location: 2p24.1.
Variant type: Deletion.
Coding change: c.7966_7969del on transcript NM_000384.3 (MANE Select); coding-DNA positions 7966 to 7969, 4 bases deleted (TTCC; older notation c.7966_7969delTTCC).
Protein change: p.Phe2656fs; shifts the reading frame from phenylalanine 2656.
Molecular consequence: frameshift variant.
Genome position (GRCh38, 1-based): chr2:21,008,899-21,008,902, GGAA deleted on the plus strand (TTCC on the coding strand, the reverse complement: APOB is on the minus strand); deleting any 4 consecutive bases within chr2:21,008,899-21,008,904 gives the same sequence; the c. name uses the placement nearest the transcript's 3' end. VCF-style (leftmost placement, unchanged base first): chr2-21008898-TGGAA-T. GRCh37 (hg19) VCF-style: chr2-21231770-TGGAA-T.
Other names: short protein forms F2656fs.
Identifiers: ClinVar variation 1453164 (VCV001453164.6), dbSNP rs2103354942, ClinGen allele CA2573134388.